The following is an entry in ClinVar:

ClinVar aggregate classification (germline): Uncertain significance (1 of 4 stars; one submission).

Submission:

GeneDx
Classification: Uncertain significance. Last evaluated: 2022-06-10. Review status: criteria provided, single submitter. Criteria: GeneDx Variant Classification Process June 2021. Collection method: clinical testing. Allele origin: germline. Affected: yes.
Comment: Not observed at significant frequency in large population cohorts (gnomAD); Missense variants in this gene are often considered pathogenic (HGMD); In silico analysis supports that this missense variant does not alter protein structure/function; Has not been previously published as pathogenic or benign to our knowledge

NM_004985.5(KRAS):c.283C>T (p.His95Tyr)

Gene: KRAS (KRAS proto-oncogene, GTPase; minus strand). Cytogenetic location: 12p12.1.
Variant type: single nucleotide variant.
Coding change: c.283C>T on transcript NM_004985.5 (MANE Select); coding-DNA position 283, C replaced by T.
Protein change: p.His95Tyr; replaces histidine 95 with tyrosine.
Molecular consequence: missense variant.
Genome position (GRCh38, 1-based): chr12:25,227,241, G>A on the plus strand (C>T on the coding strand, the complement: KRAS is on the minus strand). VCF-style: chr12-25227241-G-A. GRCh37 (hg19) VCF-style: chr12-25380175-G-A.
Other names: c.283C>T, p.His95Tyr (NM_001369786.1, NM_001369787.1, NM_033360.4); short protein forms H95Y.
Identifiers: ClinVar variation 1803539 (VCV001803539.1), dbSNP rs1309399018, ClinGen allele CA384151692.